The following is an entry in ClinVar:

ClinVar aggregate classification (germline): Uncertain significance (1 of 4 stars; one submission).

Conditions:
Microcephaly, normal intelligence and immunodeficiency (NBS). Also called: IMMUNODEFICIENCY, MICROCEPHALY, AND CHROMOSOMAL INSTABILITY; SEEMANOVA SYNDROME II; BERLIN BREAKAGE SYNDROME; Nijmegen breakage syndrome; Microcephaly with normal intelligence immunodeficiency and lymphoreticular malignancies; Nonsyndromal microcephaly autosomal recessive with normal intelligence. Identifiers: Orphanet 647, MedGen C0398791, MONDO:0009623, OMIM 251260.

Submission:

Labcorp Genetics (formerly Invitae), Labcorp
Classification: Uncertain significance for Microcephaly, normal intelligence and immunodeficiency. Last evaluated: 2023-12-02. Review status: criteria provided, single submitter. Criteria: Invitae Variant Classification Sherloc (09022015). Collection method: clinical testing. Allele origin: germline.
Comment: This sequence change replaces tryptophan, which is neutral and slightly polar, with cysteine, which is neutral and slightly polar, at codon 375 of the NBN protein (p.Trp375Cys). This variant is not present in population databases (gnomAD no frequency). This variant has not been reported in the literature in individuals affected with NBN-related conditions. An algorithm developed to predict the effect of missense changes on protein structure and function (PolyPhen-2) suggests that this variant is likely to be tolerated. In summary, the available evidence is currently insufficient to determine the role of this variant in disease. Therefore, it has been classified as a Variant of Uncertain Significance.

NM_002485.5(NBN):c.1125G>C (p.Trp375Cys)

Gene: NBN (nibrin; minus strand). Cytogenetic location: 8q21.3.
Variant type: single nucleotide variant.
Coding change: c.1125G>C on transcript NM_002485.5 (MANE Select); coding-DNA position 1125, G replaced by C.
Protein change: p.Trp375Cys; replaces tryptophan 375 with cysteine.
Molecular consequence: missense variant.
Genome position (GRCh38, 1-based): chr8:89,955,555, C>G on the plus strand (G>C on the coding strand, the complement: NBN is on the minus strand). VCF-style: chr8-89955555-C-G. GRCh37 (hg19) VCF-style: chr8-90967783-C-G.
Other names: c.879G>C, p.Trp293Cys (NM_001024688.3); short protein forms W375C, W293C.
Identifiers: ClinVar variation 2855564 (VCV002855564.3), dbSNP rs1057519588, ClinGen allele CA371656544.